The following is an entry in ClinVar:

NM_000384.3(APOB):c.9409C>G (p.Leu3137Val)

Gene: APOB (apolipoprotein B; minus strand). Cytogenetic location: 2p24.1.
Variant type: single nucleotide variant.
Coding change: c.9409C>G on transcript NM_000384.3 (MANE Select); coding-DNA position 9409, C replaced by G.
Protein change: p.Leu3137Val; replaces leucine 3137 with valine.
Molecular consequence: missense variant.
Genome position (GRCh38, 1-based): chr2:21,007,459, G>C on the plus strand (C>G on the coding strand, the complement: APOB is on the minus strand). VCF-style: chr2-21007459-G-C. GRCh37 (hg19) VCF-style: chr2-21230331-G-C.
Other names: short protein forms L3137V.
Identifiers: ClinVar variation 4842889 (VCV004842889.1).

ClinVar aggregate classification (germline): Uncertain significance (1 of 4 stars; one submission).

Conditions:
Cardiovascular phenotype. Identifiers: MedGen CN230736.

gnomAD v4.1: 3 of 1,613,964 alleles (0.00019%); highest among the groups gnomAD compares: African/African-American, 0.004%; no homozygotes.

Submission:

Ambry Genetics
Classification: Uncertain significance for Cardiovascular phenotype. Last evaluated: 2026-01-10. Review status: criteria provided, single submitter. Criteria: Ambry Variant Classification Scheme 2023. Collection method: clinical testing. Allele origin: germline.
Comment: The p.L3137V variant (also known as c.9409C>G), located in coding exon 26 of the APOB gene, results from a C to G substitution at nucleotide position 9409. The leucine at codon 3137 is replaced by valine, an amino acid with highly similar properties. This amino acid position is conserved. In addition, this alteration is predicted to be tolerated by in silico analysis. Based on the available evidence, the clinical significance of this variant remains unclear.